The following is an entry in ClinVar:

NM_001904.4(CTNNB1):c.1693C>T (p.Arg565Cys)

Gene: CTNNB1 (catenin beta 1; plus strand). Cytogenetic location: 3p22.1.
Variant type: single nucleotide variant.
Coding change: c.1693C>T on transcript NM_001904.4 (MANE Select); coding-DNA position 1693, C replaced by T.
Protein change: p.Arg565Cys; replaces arginine 565 with cysteine.
Molecular consequence: missense variant.
Genome position (GRCh38, 1-based): chr3:41,235,733, C>T. VCF-style: chr3-41235733-C-T. GRCh37 (hg19) VCF-style: chr3-41277224-C-T.
Other names: c.1693C>T, p.Arg565Cys (NM_001098209.2, NM_001098210.2); c.1672C>T, p.Arg558Cys (NM_001330729.2); short protein forms R558C, R565C.
Identifiers: ClinVar variation 3628554 (VCV003628554.3).

ClinVar aggregate classification (germline): Uncertain significance. Review status: criteria provided, multiple submitters, no conflicts (2 of 4 stars). 2 submissions from 2 submitters: Uncertain significance (2). Last evaluated 2025-01-13.

gnomAD v4.1: 18 of 1,613,908 alleles (0.0011%); highest among the groups gnomAD compares: South Asian, 0.0033%; 1 homozygote.

Submissions (2):

Labcorp Genetics (formerly Invitae), Labcorp
Classification: Uncertain significance. Last evaluated: 2025-01-13. Review status: criteria provided, single submitter. Criteria: Invitae Variant Classification Sherloc (09022015). Collection method: clinical testing. Allele origin: germline.
Comment: This sequence change replaces arginine, which is basic and polar, with cysteine, which is neutral and slightly polar, at codon 565 of the CTNNB1 protein (p.Arg565Cys). This variant is present in population databases (rs775666001, gnomAD 0.002%). This missense change has been observed in individual(s) with CTNNB1-related disorders (PMID: 33004838). Invitae Evidence Modeling of protein sequence and biophysical properties (such as structural, functional, and spatial information, amino acid conservation, physicochemical variation, residue mobility, and thermodynamic stability) indicates that this missense variant is expected to disrupt CTNNB1 protein function with a positive predictive value of 80%. In summary, the available evidence is currently insufficient to determine the role of this variant in disease. Therefore, it has been classified as a Variant of Uncertain Significance.

Blueprint Genetics
Classification: Uncertain significance. Last evaluated: 2023-04-11. Review status: criteria provided, single submitter. Criteria: ACMG Guidelines, 2015. Collection method: clinical testing. Allele origin: germline.

Literature cited by the submitters: PubMed 33004838 (cited by Labcorp Genetics (formerly Invitae), Labcorp).